The following is an entry in ClinVar:

NC_012920.1(MT-TT):m.15928G>A

Gene: MT-TT (mitochondrially encoded tRNA threonine; plus strand).
Variant type: single nucleotide variant.
Genome position: chrM-15928-G-A.
Identifiers: ClinVar variation 143903 (VCV000143903.4), dbSNP rs527236198, ClinGen allele CA170532.
Genomic context (GRCh38, chrMT:15,928, plus strand): 5'-CAAAATACTCAAATGGGCCTGTCCTTGTAGTATAAACTAATACACCAGTCTTGTAAACCG[G>A]AGATGAAAACCTTTTTCCAAGGACAAATCAGAGAAAAAGTCTTTAACTCCACCATTAGCA-3'

ClinVar aggregate classification (germline): Benign/Likely benign. Review status: criteria provided, multiple submitters, no conflicts (2 of 4 stars). 3 submissions from 3 submitters: Benign (1); Likely benign (1). 1 of the submissions does not count toward it. Last evaluated 2025-02-16.

Conditions:
MELAS syndrome (MELAS). Also called: Juvenile myopathy, encephalopathy, lactic acidosis, stroke. Identifiers: Orphanet 550, MedGen C0162671, MONDO:0010789, OMIM 540000.
Ovarian neoplasm. Also called: Ovarian tumor; Ovarian Neoplasms; Neoplasm of ovary. Identifiers: MedGen C0919267, MeSH D010051, MONDO:0021068, HP:0100615.

Submissions (3):

Laboratory of Genetics, Children's Clinical University Hospital Latvia
Classification: Likely benign. Last evaluated: 2025-02-16. Review status: criteria provided, single submitter. Criteria: ACMG Guidelines, 2015. Collection method: clinical testing. Allele origin: germline. Affected: yes.

Wong Mito Lab, Molecular and Human Genetics, Baylor College of Medicine
Classification: Benign for MELAS syndrome. Last evaluated: 2019-07-12. Review status: criteria provided, single submitter. Criteria: Modified ACMG Guidelines (Unpublished). Collection method: clinical testing. Allele origin: germline.
Comment: The NC_012920.1:m.15928G>A variant in MT-TT gene is interpreted to be a Benign variant based on the modified ACMG guidelines (unpublished). This variant meets the following evidence codes reported in the guidelines: BA1, BP4

Department of Zoology Govt. MVM College
Classification: Likely pathogenic for Neoplasm of ovary. Review status: no assertion criteria provided. Collection method: not provided. Allele origin: unknown. Not counted in ClinVar's aggregate classification.
Comment: KM276947
ClinVar note: Converted during submission from probable-pathogenic to Likely pathogenic.

Literature cited by the submitters: PubMed 31965079 (cited by Wong Mito Lab, Molecular and Human Genetics, Baylor College of Medicine).